The following is an entry in ClinVar:

NM_000059.4(BRCA2):c.2245_2247dup (p.Ser749_Asp750insSer)

Gene: BRCA2 (BRCA2 DNA repair associated; plus strand). Cytogenetic location: 13q13.1.
Variant type: Duplication.
Coding change: c.2245_2247dup on transcript NM_000059.4 (MANE Select); coding-DNA positions 2245 to 2247, 3 bases duplicated (AGT; older notation c.2245_2247dupAGT).
Protein change: p.Ser749_Asp750insSer.
Molecular consequence: inframe insertion. On other transcripts: non-coding transcript variant (1), intron variant (2).
Genome position (GRCh38, 1-based): chr13:32,336,600-32,336,602, AGT duplicated. VCF-style (leftmost placement, unchanged base first): chr13-32336599-C-CAGT. GRCh37 (hg19) VCF-style: chr13-32910736-C-CAGT.
Other names: c.2245_2247dup, p.Ser749_Asp750insSer (NM_001406719.1, NM_001406720.1); c.1909+3213_1909+3215dup (NM_001406721.1); c.424+5570_424+5572dup (NM_001406722.1).
Identifiers: ClinVar variation 2840663 (VCV002840663.3), dbSNP rs2548523479, ClinGen allele CA2739277500.

ClinVar aggregate classification (germline): Uncertain significance (1 of 4 stars; one submission).

Conditions:
Hereditary breast ovarian cancer syndrome. Also called: Hereditary breast and ovarian cancer syndrome (HBOC); Breast and ovarian cancer; BRCA1- and BRCA2-Associated Hereditary Breast and Ovarian Cancer; Hereditary breast and ovarian cancer syndrome; Hereditary breast and ovarian cancer; Hereditary breast and/or ovarian cancer syndrome. Identifiers: Orphanet 145, MedGen C0677776, MeSH D061325, MONDO:0003582. Disease mechanism: loss of function.

Submission:

Labcorp Genetics (formerly Invitae), Labcorp
Classification: Uncertain significance for Hereditary breast ovarian cancer syndrome. Last evaluated: 2024-05-21. Review status: criteria provided, single submitter. Criteria: Invitae Variant Classification Sherloc (09022015). Collection method: clinical testing. Allele origin: germline.
Comment: This variant, c.2245_2247dup, results in the insertion of 1 amino acid(s) of the BRCA2 protein (p.Ser749dup), but otherwise preserves the integrity of the reading frame. This variant is not present in population databases (gnomAD no frequency). This variant has not been reported in the literature in individuals affected with BRCA2-related conditions. In summary, the available evidence is currently insufficient to determine the role of this variant in disease. Therefore, it has been classified as a Variant of Uncertain Significance.